The following is an entry in ClinVar:

ClinVar aggregate classification (germline): Uncertain significance (1 of 4 stars; one submission).

Submission:

Labcorp Genetics (formerly Invitae), Labcorp
Classification: Uncertain significance. Last evaluated: 2025-02-20. Review status: criteria provided, single submitter. Criteria: Invitae Variant Classification Sherloc (09022015). Collection method: clinical testing. Allele origin: germline.
Comment: This sequence change replaces proline, which is neutral and non-polar, with leucine, which is neutral and non-polar, at codon 978 of the VARS2 protein (p.Pro978Leu). This variant is not present in population databases (gnomAD no frequency). This variant has not been reported in the literature in individuals affected with VARS2-related conditions. Invitae Evidence Modeling of protein sequence and biophysical properties (such as structural, functional, and spatial information, amino acid conservation, physicochemical variation, residue mobility, and thermodynamic stability) indicates that this missense variant is not expected to disrupt VARS2 protein function with a negative predictive value of 80%. In summary, the available evidence is currently insufficient to determine the role of this variant in disease. Therefore, it has been classified as a Variant of Uncertain Significance.

NM_020442.6(VARS2):c.2843C>T (p.Pro948Leu)

Gene: VARS2 (valyl-tRNA synthetase 2, mitochondrial; plus strand). Cytogenetic location: 6p21.33.
Variant type: single nucleotide variant.
Coding change: c.2843C>T on transcript NM_020442.6 (MANE Select); coding-DNA position 2843, C replaced by T.
Protein change: p.Pro948Leu; replaces proline 948 with leucine.
Molecular consequence: missense variant.
Genome position (GRCh38, 1-based): chr6:30,925,601, C>T. VCF-style: chr6-30925601-C-T. GRCh37 (hg19) VCF-style: chr6-30893378-C-T.
Other names: c.2423C>T, p.Pro808Leu (NM_001167733.3); c.2933C>T, p.Pro978Leu (NM_001167734.2); short protein forms P808L, P948L, P978L.
Identifiers: ClinVar variation 4744534 (VCV004744534.1).